The following is an entry in ClinVar:

NM_033360.4(KRAS):c.355G>A (p.Asp119Asn)

Gene: KRAS (KRas proto-oncogene, GTPase; minus strand). Cytogenetic location: 12p12.1.
Variant type: single nucleotide variant.
Coding change: c.355G>A on transcript NM_033360.4 (MANE Plus Clinical); coding-DNA position 355, G replaced by A.
Protein change: p.Asp119Asn; replaces aspartic acid 119 with asparagine.
Molecular consequence: missense variant.
Genome position (GRCh38, 1-based): chr12:25,225,709, C>T on the plus strand (G>A on the coding strand, the complement: KRAS is on the minus strand). VCF-style: chr12-25225709-C-T. GRCh37 (hg19) VCF-style: chr12-25378643-C-T.
Other names: p.D119N:GAT>AAT; c.355G>A, p.Asp119Asn (LRG_344t1, LRG_344t2, NM_001369786.1 and 2 more transcripts); short protein forms D119N.
Identifiers: ClinVar variation 40460 (VCV000040460.7), dbSNP rs730880471, ClinGen allele CA296084.

ClinVar aggregate classification (germline): Likely pathogenic. Review status: criteria provided, multiple submitters, no conflicts (2 of 4 stars). 3 submissions from 3 submitters: Likely pathogenic (3). Last evaluated 2020-09-23.

Conditions:
Autoimmune lymphoproliferative syndrome type 4. Also called: AUTOIMMUNE LYMPHOPROLIFERATIVE SYNDROME, TYPE IV; RAS-associated autoimmune leukoproliferative disorder. Identifiers: Orphanet 268114, MedGen C2674723, MONDO:0013767, OMIM 614470.
Acute myeloid leukemia (AML). Also called: Acute myeloid leukemia, adult; AML adult; Acute non-lymphocytic leukemia; Acute granulocytic leukemia; Leukemia, acute myeloid, somatic; Leukemia, acute myelogenous, somatic. Identifiers: Orphanet 519, MedGen C0023467, MeSH D015470, MONDO:0018874, OMIM 601626, HP:0004808. Disease mechanism: Constitutively activated FLT3.
Noonan syndrome 3 (NS3). Also called: KRAS-Related Noonan Syndrome. Identifiers: Orphanet 648, MedGen C1860991, MONDO:0012371, OMIM 609942.
Cardiofaciocutaneous syndrome 2 (CFC2). Also called: KRAS-Related Cardiofaciocutaneous Syndrome. Identifiers: Orphanet 1340, MedGen C3809005, MONDO:0014112, OMIM 615278.
KRAS-related RASopathy.

Submissions (3):

Undiagnosed Diseases Network, NIH
Classification: Likely pathogenic for KRAS-related RASopathy. Last evaluated: 2020-09-23. Review status: criteria provided, single submitter. Criteria: ACMG Guidelines, 2015. Collection method: clinical testing. Allele origin: de novo. Inheritance: Autosomal dominant inheritance. Affected: yes. Observed: 1 variant allele, 1 heterozygote, 1 mosaic individual. Study: Undiagnosed Diseases Network (NIH), UDN.

Baylor Genetics
Classification: Likely pathogenic for Cardiofaciocutaneous syndrome 2; Acute myeloid leukemia; Noonan syndrome 3; Autoimmune lymphoproliferative syndrome type 4. Last evaluated: 2017-12-31. Review status: criteria provided, single submitter. Criteria: ACMG Guidelines, 2015. Collection method: clinical testing. Allele origin: germline. Affected: yes.

GeneDx
Classification: Likely pathogenic. Last evaluated: 2012-06-21. Review status: criteria provided, single submitter. Criteria: GeneDx Variant Classification (06012015). Collection method: clinical testing. Allele origin: germline. Affected: yes.
Comment: A D119N missense change likely associated with a KRAS-related disorder was identified in the KRAS gene. It has not been published as a mutation, nor has it been reported as a benign polymorphism to our knowledge. The D119N amino acid substitution is non-conservative with a negatively charged residue (Asp) being replaced by a neutral residue (Asn) at a position in the protein that is highly conserved across species. Another mutation in a nearby codon (N116S) has been reported in association with Noonan syndrome and in vitro studies showed that it exhibits gain-of-function activity (Razzaque et al., 2012). Therefore, D119N is a strong candidate for a disease-causing mutation, however the possibility that it is a benign variant cannot be excluded.The variant is found in NOONAN panel(s).